The following is an entry in ClinVar:

NM_001277313.2(FMN1):c.2771CCCCAC[2] (p.Pro928_Pro929del)

Gene: FMN1 (formin 1; minus strand). Cytogenetic location: 15q13.3.
Variant type: Microsatellite.
Coding change: c.2771CCCCAC[2] on transcript NM_001277313.2 (MANE Select); two copies in a row of the 6-base unit CCCCAC starting at c.2771; the reference has three copies in a row; one copy, 6 bases deleted.
Protein change: p.Pro928_Pro929del.
Molecular consequence: inframe deletion.
Genome position (GRCh38, 1-based): chr15:32,968,913-32,968,918, GTGGGG deleted on the plus strand (CCCCAC on the coding strand, the reverse complement: FMN1 is on the minus strand); deleting any 6 consecutive bases within chr15:32,968,913-32,968,934 gives the same sequence; the position shown is the placement nearest the transcript's 3' end. VCF-style (leftmost placement, unchanged base first): chr15-32968912-AGTGGGG-A. GRCh37 (hg19) VCF-style: chr15-33261113-AGTGGGG-A.
Other names: c.2102CCCCAC[2], p.Pro705_Pro706del (NM_001103184.4).
Identifiers: ClinVar variation 2052833 (VCV002052833.4), dbSNP rs751087422, ClinGen allele CA7456872.
Genomic context (GRCh38, chr15:32,968,912, plus strand): 5'-CCTGGGGGTGGTGGAGCAGGAGGAGGCCCTCCAGGGTTGGGTGGGGCAGGGGAGTTAGGA[AGTGGGG>A]GTGGGGGTGGGGGTGGTGGAGGTCCAGCACTTGAAGGTGGAGGTAGAGGTGGCGGTGGAG-3'

ClinVar aggregate classification (germline): Uncertain significance (1 of 4 stars; one submission).

Submission:

Labcorp Genetics (formerly Invitae), Labcorp
Classification: Uncertain significance. Last evaluated: 2023-05-29. Review status: criteria provided, single submitter. Criteria: Invitae Variant Classification Sherloc (09022015). Collection method: clinical testing. Allele origin: germline.
Comment: In summary, the available evidence is currently insufficient to determine the role of this variant in disease. Therefore, it has been classified as a Variant of Uncertain Significance. Experimental studies and prediction algorithms are not available or were not evaluated, and the functional significance of this variant is currently unknown. This variant has not been reported in the literature in individuals affected with FMN1-related conditions. The frequency data for this variant in the population databases is considered unreliable, as metrics indicate poor data quality at this position in the gnomAD database. This variant, c.2114_2119del, results in the deletion of 2 amino acid(s) of the FMN1 protein (p.Pro705_Pro706del), but otherwise preserves the integrity of the reading frame.